The following is an entry in ClinVar:

ClinVar aggregate classification (germline): Uncertain significance (1 of 4 stars; one submission).

Submission:

GeneDx
Classification: Uncertain significance. Last evaluated: 2024-04-24. Review status: criteria provided, single submitter. Criteria: GeneDx Variant Classification Process June 2021. Collection method: clinical testing. Allele origin: germline.
Comment: Not observed at significant frequency in large population cohorts (gnomAD); In silico analysis supports that this missense variant does not alter protein structure/function; Has not been previously published as pathogenic or benign to our knowledge

NM_006545.5(NPRL2):c.535A>G (p.Lys179Glu)

Gene: NPRL2 (NPR2 like, GATOR1 complex subunit; minus strand). Cytogenetic location: 3p21.31.
Variant type: single nucleotide variant.
Coding change: c.535A>G on transcript NM_006545.5 (MANE Select); coding-DNA position 535, A replaced by G.
Protein change: p.Lys179Glu; replaces lysine 179 with glutamic acid.
Molecular consequence: missense variant.
Genome position (GRCh38, 1-based): chr3:50,348,924, T>C on the plus strand (A>G on the coding strand, the complement: NPRL2 is on the minus strand). VCF-style: chr3-50348924-T-C. GRCh37 (hg19) VCF-style: chr3-50386355-T-C.
Other names: short protein forms K179E.
Identifiers: ClinVar variation 2663506 (VCV002663506.2), dbSNP rs1703650958, ClinGen allele CA352950425.